The following is an entry in ClinVar:

ClinVar aggregate classification (germline): Benign/Likely benign. Review status: criteria provided, multiple submitters, no conflicts (2 of 4 stars). 12 submissions from 7 submitters: Benign (5); Likely benign (7). Last evaluated 2025-08-21.

Conditions:
Autosomal dominant keratitis. Also called: Keratitis, hereditary. Identifiers: Orphanet 2334, MedGen C1835698, MONDO:0007848, OMIM 148190.
Foveal hypoplasia 1. Also called: FOVEAL HYPOPLASIA 1 WITH OR WITHOUT ANTERIOR SEGMENT ANOMALIES AND/OR CATARACT; FOVEAL HYPOPLASIA 1 WITH ANTERIOR SEGMENT ANOMALIES. Identifiers: Orphanet 2253, MedGen C3805604, MONDO:0007628, OMIM 136520.
carboxymethyl-dextran-A2-gadolinium-DOTA.
Irido-corneo-trabecular dysgenesis (ASGD5). Also called: ANTERIOR SEGMENT DYSGENESIS 5. Identifiers: Orphanet 708, MedGen C0344559, MONDO:0011414, OMIM 604229, HP:0000659.
Aniridia 1 (AN1). Identifiers: Orphanet 250923, MedGen C0344542, MONDO:0024507, OMIM 106210.
Anophthalmia-microphthalmia syndrome. Also called: Anophthalmia - microphthalmia; Anophthalmia/Microphthalmia. Identifiers: Orphanet 98555, MedGen C5680330, MONDO:0020147.
11p partial monosomy syndrome (WAGR). Also called: WAGR Spectrum Disorder; WAGR syndrome; WAGR Complex; CHROMOSOME 11p13 DELETION SYNDROME. Identifiers: Orphanet 893, MedGen C0206115, MONDO:0008681, OMIM 194072.

Allele frequency attached by ClinVar (database versions not stated): 1000 Genomes Project 30x 0.01483; 1000 Genomes Project 0.01538; gnomAD 0.02711; TOPMed 0.02921; gnomAD exomes 0.03790.
gnomAD v4.1: 13,901 of 399,078 alleles (3.5%); highest among the groups gnomAD compares: Non-Finnish European, 4.3%; 291 homozygotes.

Submissions (12):

Labcorp Genetics (formerly Invitae), Labcorp
Classification: Benign for Aniridia 1; Irido-corneo-trabecular dysgenesis. Last evaluated: 2025-08-21. Review status: criteria provided, single submitter. Criteria: Invitae Variant Classification Sherloc (09022015). Collection method: clinical testing. Allele origin: germline.

Blueprint Genetics
Classification: Benign. Last evaluated: 2024-11-27. Review status: criteria provided, single submitter. Criteria: ACMG Guidelines, 2015. Collection method: clinical testing. Allele origin: germline.

Illumina Laboratory Services, Illumina
Classification: Likely benign for Wilms tumor, aniridia, genitourinary anomalies, and mental retardation syndrome. Last evaluated: 2017-04-27. Review status: criteria provided, single submitter. Criteria: ICSL Variant Classification Criteria 13 December 2019. Collection method: clinical testing. Allele origin: germline.
Comment: This variant was observed as part of a predisposition screen in an ostensibly healthy population. A literature search was performed for the gene, cDNA change, and amino acid change (where applicable). No publications were found based on this search. Allele frequency data from public databases allowed determination this variant is unlikely to cause disease. Therefore, this variant is classified as likely benign.

Illumina Laboratory Services, Illumina
Classification: Likely benign for carboxymethyl-dextran-A2-gadolinium-DOTA. Last evaluated: 2017-04-27. Review status: criteria provided, single submitter. Criteria: ICSL Variant Classification Criteria 13 December 2019. Collection method: clinical testing. Allele origin: germline.
Comment: the same text as in the submission from Illumina Laboratory Services, Illumina above.

Illumina Laboratory Services, Illumina
Classification: Likely benign for Aniridia 1. Last evaluated: 2017-04-27. Review status: criteria provided, single submitter. Criteria: ICSL Variant Classification Criteria 13 December 2019. Collection method: clinical testing. Allele origin: germline.
Comment: the same text as in the submission from Illumina Laboratory Services, Illumina above.

Illumina Laboratory Services, Illumina
Classification: Likely benign for Anophthalmia-microphthalmia syndrome. Last evaluated: 2017-04-27. Review status: criteria provided, single submitter. Criteria: ICSL Variant Classification Criteria 13 December 2019. Collection method: clinical testing. Allele origin: germline.
Comment: the same text as in the submission from Illumina Laboratory Services, Illumina above.

Illumina Laboratory Services, Illumina
Classification: Likely benign for Foveal hypoplasia 1. Last evaluated: 2017-04-27. Review status: criteria provided, single submitter. Criteria: ICSL Variant Classification Criteria 13 December 2019. Collection method: clinical testing. Allele origin: germline.
Comment: the same text as in the submission from Illumina Laboratory Services, Illumina above.

Illumina Laboratory Services, Illumina
Classification: Likely benign for Autosomal dominant keratitis. Last evaluated: 2017-04-27. Review status: criteria provided, single submitter. Criteria: ICSL Variant Classification Criteria 13 December 2019. Collection method: clinical testing. Allele origin: germline.
Comment: the same text as in the submission from Illumina Laboratory Services, Illumina above.

Genomic Diagnostic Laboratory, Division of Genomic Diagnostics, Children's Hospital of Philadelphia
Classification: Benign. Last evaluated: 2015-07-22. Review status: criteria provided, single submitter. Criteria: DGD Variant Analysis Guidelines. Collection method: clinical testing. Allele origin: unknown.

GeneDx
Classification: Benign. Last evaluated: 2015-03-03. Review status: criteria provided, single submitter. Criteria: GeneDx Variant Classification Process June 2021. Collection method: clinical testing. Allele origin: germline. Affected: yes.
Comment: This variant is associated with the following publications: (PMID: 27884173, 17417613, 18776953)

Breakthrough Genomics
Classification: Likely benign. Review status: criteria provided, single submitter. Criteria: ACMG Guidelines, 2015. Collection method: not provided. Allele origin: germline. Inheritance: Autosomal dominant inheritance. Affected: yes.

PreventionGenetics, part of Exact Sciences
Classification: Benign. Review status: criteria provided, single submitter. Criteria: ACMG Guidelines, 2015. Collection method: clinical testing. Allele origin: germline.

NM_001368894.2(PAX6):c.-129+9G>A

Gene: PAX6 (paired box 6; minus strand). Cytogenetic location: 11p13.
Variant type: single nucleotide variant.
Coding change: c.-129+9G>A on transcript NM_001368894.2 (MANE Select); 9 bases into the intron after 129 bases upstream of the start codon, G replaced by A.
Molecular consequence: intron variant.
Genome position (GRCh38, 1-based): chr11:31,810,819, C>T on the plus strand (G>A on the coding strand, the complement: PAX6 is on the minus strand). VCF-style: chr11-31810819-C-T. GRCh37 (hg19) VCF-style: chr11-31832367-C-T.
Other names: c.-129+9G>A (NM_001127612.3, NM_001368921.2, NM_001368923.2 and 26 more transcripts); c.-29+9G>A (NM_001368910.2); c.-268+9G>A (NM_001368909.2); c.13+9G>A (NM_001368911.2); c.-406+9G>A (NM_001368904.2); c.-910+9G>A (NM_001368905.2).
Identifiers: ClinVar variation 218438 (VCV000218438.19), dbSNP rs56139994, ClinGen allele CA249178.